The following is an entry in ClinVar:

NM_015404.4(WHRN):c.1227C>T (p.Ala409=)

Gene: WHRN (whirlin; minus strand). Cytogenetic location: 9q32.
Variant type: single nucleotide variant.
Coding change: c.1227C>T on transcript NM_015404.4 (MANE Select); coding-DNA position 1227, C replaced by T.
Protein change: p.Ala409=; no amino-acid change (alanine 409 retained).
Molecular consequence: synonymous variant.
Genome position (GRCh38, 1-based): chr9:114,424,523, G>A on the plus strand (C>T on the coding strand, the complement: WHRN is on the minus strand). VCF-style: chr9-114424523-G-A. GRCh37 (hg19) VCF-style: chr9-117186803-G-A.
Other names: c.78C>T, p.Ala26= (NM_001083885.3); c.1227C>T, p.Ala409= (NM_001173425.2); c.174C>T, p.Ala58= (NM_001346890.1).
Identifiers: ClinVar variation 364692 (VCV000364692.16), dbSNP rs758129253, ClinGen allele CA5206008.

ClinVar aggregate classification (germline): Conflicting classifications of pathogenicity. Review status: criteria provided, conflicting classifications (1 of 4 stars). 5 submissions from 4 submitters: Uncertain significance (2); Likely benign (3). Last evaluated 2026-04-01.

Conditions:
Autosomal recessive nonsyndromic hearing loss 31. Also called: WHIRLER, MOUSE, HOMOLOG OF. Identifiers: Orphanet 90636, MedGen C1846839, MONDO:0011767, OMIM 607084.
Usher syndrome type 2D. Also called: USHER SYNDROME, TYPE IID. Identifiers: Orphanet 231178, Orphanet 886, MedGen C1568249, MONDO:0012662, OMIM 611383.

Allele frequency attached by ClinVar (database versions not stated): gnomAD 0.00002 and 0.00003; gnomAD exomes 0.00004 and 0.00005; ExAC 0.00006; TOPMed 0.00009.
gnomAD v4.1: 81 of 1,613,126 alleles (0.005%); highest among the groups gnomAD compares: Middle Eastern, 0.066%; no homozygotes.

Submissions (5):

CeGaT Center for Human Genetics Tuebingen
Classification: Likely benign. Last evaluated: 2026-04-01. Review status: criteria provided, single submitter. Criteria: CeGaT Center For Human Genetics Tuebingen Variant Classification Criteria Version 2. Collection method: clinical testing. Allele origin: germline. Affected: yes. Observed: 1 variant allele.
Comment: WHRN: BP4, BP7

Labcorp Genetics (formerly Invitae), Labcorp
Classification: Likely benign. Last evaluated: 2026-01-17. Review status: criteria provided, single submitter. Criteria: Invitae Variant Classification Sherloc (09022015). Collection method: clinical testing. Allele origin: germline.

Blueprint Genetics
Classification: Likely benign. Last evaluated: 2024-11-26. Review status: criteria provided, single submitter. Criteria: ACMG Guidelines, 2015. Collection method: clinical testing. Allele origin: germline.

Illumina Laboratory Services, Illumina
Classification: Uncertain significance for Autosomal recessive nonsyndromic hearing loss 31. Last evaluated: 2018-01-12. Review status: criteria provided, single submitter. Criteria: ICSL Variant Classification Criteria 13 December 2019. Collection method: clinical testing. Allele origin: germline.

Illumina Laboratory Services, Illumina
Classification: Uncertain significance for Usher syndrome type 2D. Last evaluated: 2018-01-12. Review status: criteria provided, single submitter. Criteria: ICSL Variant Classification Criteria 13 December 2019. Collection method: clinical testing. Allele origin: germline.